The following is an entry in ClinVar:

NM_003737.4(DCHS1):c.2641C>T (p.Arg881Cys)

Gene: DCHS1 (dachsous cadherin-related 1; minus strand). Cytogenetic location: 11p15.4.
Variant type: single nucleotide variant.
Coding change: c.2641C>T on transcript NM_003737.4 (MANE Select); coding-DNA position 2641, C replaced by T.
Protein change: p.Arg881Cys; replaces arginine 881 with cysteine.
Molecular consequence: missense variant.
Genome position (GRCh38, 1-based): chr11:6,632,871, G>A on the plus strand (C>T on the coding strand, the complement: DCHS1 is on the minus strand). VCF-style: chr11-6632871-G-A. GRCh37 (hg19) VCF-style: chr11-6654102-G-A.
Other names: short protein forms R881C.
Identifiers: ClinVar variation 2790116 (VCV002790116.3), dbSNP rs760313532, ClinGen allele CA5860685.

ClinVar aggregate classification (germline): Uncertain significance (1 of 4 stars; one submission).

Allele frequency attached by ClinVar (database versions not stated): gnomAD 0.00001; TOPMed 0.00001; ExAC 0.00002; gnomAD exomes 0.00002.
gnomAD v4.1: 34 of 1,613,904 alleles (0.0021%); highest among the groups gnomAD compares: Non-Finnish European, 0.0027%; no homozygotes.

Submission:

Labcorp Genetics (formerly Invitae), Labcorp
Classification: Uncertain significance. Last evaluated: 2023-04-18. Review status: criteria provided, single submitter. Criteria: Invitae Variant Classification Sherloc (09022015). Collection method: clinical testing. Allele origin: germline.
Comment: This sequence change replaces arginine, which is basic and polar, with cysteine, which is neutral and slightly polar, at codon 881 of the DCHS1 protein (p.Arg881Cys). This variant is present in population databases (rs760313532, gnomAD 0.002%). This variant has not been reported in the literature in individuals affected with DCHS1-related conditions. Advanced modeling of protein sequence and biophysical properties (such as structural, functional, and spatial information, amino acid conservation, physicochemical variation, residue mobility, and thermodynamic stability) performed at Invitae indicates that this missense variant is not expected to disrupt DCHS1 protein function. In summary, the available evidence is currently insufficient to determine the role of this variant in disease. Therefore, it has been classified as a Variant of Uncertain Significance.